The following is an entry in ClinVar:

NM_001754.5(RUNX1):c.805+16A>G

Gene: RUNX1 (RUNX family transcription factor 1; minus strand). Cytogenetic location: 21q22.12.
Variant type: single nucleotide variant.
Coding change: c.805+16A>G on transcript NM_001754.5 (MANE Select); 16 bases into the intron after coding-DNA position 805, A replaced by G.
Molecular consequence: intron variant.
Genome position (GRCh38, 1-based): chr21:34,834,394, T>C on the plus strand (A>G on the coding strand, the complement: RUNX1 is on the minus strand). VCF-style: chr21-34834394-T-C. GRCh37 (hg19) VCF-style: chr21-36206691-T-C.
Other names: c.724+16A>G (NM_001001890.3, NM_001122607.2).
Identifiers: ClinVar variation 1540152 (VCV001540152.9), dbSNP rs2146074249, ClinGen allele CA2573157343.
Genomic context (GRCh38, chr21:34,834,394, plus strand): 5'-TGTGCACATGGGGGCCAGTTGTGGGTGGTGGCCCAGGTGCAGGAGAGGCGGGCAGTGGGC[T>C]CCATCTGGTACTTACCCTGCATCTGACTCTGAGGCTGAGGGTTAAAGGCAGTGGAGTGGT-3'

ClinVar aggregate classification (germline): Likely benign. Review status: reviewed by expert panel (3 of 4 stars). 2 submissions from 2 submitters: Likely benign (1). 1 of the submissions does not count toward it. Last evaluated 2024-08-28.

Conditions:
Hereditary thrombocytopenia and hematologic cancer predisposition syndrome. Identifiers: Orphanet 71290, MedGen CN281654, MONDO:0011071.
Hereditary thrombocytopenia and hematological cancer predisposition syndrome associated with RUNX1. Also called: RUNX1 Familial Platelet Disorder with Associated Myeloid Malignancies; Familial Platelet Disorder with Propensity to Acute Myelogenous Leukemia; Familial thrombocytopenia with propensity to acute myelogenous leukemia; PLATELET DISORDER, ASPIRIN-LIKE. Identifiers: Orphanet 71290, MedGen C1832388, MeSH C563324, MONDO:0100083, OMIM 601399.

Submissions (2):

ClinGen Myeloid Malignancy Variant Curation Expert Panel
Classification: Likely benign for Hereditary thrombocytopenia and hematologic cancer predisposition syndrome. Last evaluated: 2024-08-28. Review status: reviewed by expert panel. Criteria: ClinGen MyeloMalig ACMG Specifications v2. Collection method: curation. Allele origin: germline. Inheritance: Autosomal dominant inheritance.
Comment: NM_001754.5(RUNX1):c.805+16A>G is an intronic variant which is not predicted to impact splicing and the nucleotide is not highly conserved (BP4, BP7). This variant is completely absent from all population databases with at least 20x coverage for RUNX1 (PM2_Supporting). In summary, this variant meets criteria to be classified as likely benign. ACMG/AMP criteria applied, as specified by the Myeloid Malignancy Variant Curation Expert Panel for RUNX1: BP4, BP7, PM2_supporting.

Labcorp Genetics (formerly Invitae), Labcorp
Classification: Likely benign for Hereditary thrombocytopenia and hematological cancer predisposition syndrome associated with RUNX1. Last evaluated: 2021-06-30. Review status: criteria provided, single submitter. Criteria: Invitae Variant Classification Sherloc (09022015). Collection method: clinical testing. Allele origin: germline. Not counted in ClinVar's aggregate classification.